The following is an entry in ClinVar:

ClinVar aggregate classification (germline): Uncertain significance (1 of 4 stars; one submission).

gnomAD v4.1: 5 of 1,606,144 alleles (0.00031%); highest among the groups gnomAD compares: Middle Eastern, 0.017%; no homozygotes.

Submission:

Labcorp Genetics (formerly Invitae), Labcorp
Classification: Uncertain significance. Last evaluated: 2022-07-12. Review status: criteria provided, single submitter. Criteria: Invitae Variant Classification Sherloc (09022015). Collection method: clinical testing. Allele origin: germline.
Comment: This sequence change replaces serine, which is neutral and polar, with threonine, which is neutral and polar, at codon 419 of the PLOD3 protein (p.Ser419Thr). In summary, the available evidence is currently insufficient to determine the role of this variant in disease. Therefore, it has been classified as a Variant of Uncertain Significance. Algorithms developed to predict the effect of missense changes on protein structure and function (SIFT, PolyPhen-2, Align-GVGD) all suggest that this variant is likely to be tolerated. ClinVar contains an entry for this variant (Variation ID: 1356246). This variant has not been reported in the literature in individuals affected with PLOD3-related conditions. This variant is not present in population databases (gnomAD no frequency).

NM_001084.5(PLOD3):c.1255T>A (p.Ser419Thr)

Gene: PLOD3 (procollagen-lysine,2-oxoglutarate 5-dioxygenase 3; minus strand). Cytogenetic location: 7q22.1.
Variant type: single nucleotide variant.
Coding change: c.1255T>A on transcript NM_001084.5 (MANE Select); coding-DNA position 1255, T replaced by A.
Protein change: p.Ser419Thr; replaces serine 419 with threonine.
Molecular consequence: missense variant.
Genome position (GRCh38, 1-based): chr7:101,211,694, A>T on the plus strand (T>A on the coding strand, the complement: PLOD3 is on the minus strand). VCF-style: chr7-101211694-A-T. GRCh37 (hg19) VCF-style: chr7-100854975-A-T.
Other names: short protein forms S419T.
Identifiers: ClinVar variation 1356246 (VCV001356246.8), dbSNP rs747314273, ClinGen allele CA368617564.